The following is an entry in ClinVar:

ClinVar aggregate classification (germline): Uncertain significance (1 of 4 stars; one submission).

Conditions:
Inborn genetic diseases. Identifiers: MedGen C0950123, MeSH D030342.

Allele frequency attached by ClinVar (database versions not stated): ExAC 0.00001.

Submission:

Ambry Genetics
Classification: Uncertain significance for Inborn genetic diseases. Last evaluated: 2021-08-04. Review status: criteria provided, single submitter. Criteria: Ambry Variant Classification Scheme 2023. Collection method: clinical testing. Allele origin: germline.
Comment: The p.L204F variant (also known as c.610C>T), located in coding exon 4 of the ACD gene, results from a C to T substitution at nucleotide position 610. The leucine at codon 204 is replaced by phenylalanine, an amino acid with highly similar properties. This amino acid position is conserved. In addition, the in silico prediction for this alteration is inconclusive. Since supporting evidence is limited at this time, the clinical significance of this alteration remains unclear.

NM_001082486.2(ACD):c.352C>T (p.Leu118Phe)

Gene: ACD (ACD shelterin complex subunit and telomerase recruitment factor; minus strand). Cytogenetic location: 16q22.1.
Variant type: single nucleotide variant.
Coding change: c.352C>T on transcript NM_001082486.2 (MANE Select); coding-DNA position 352, C replaced by T.
Protein change: p.Leu118Phe; replaces leucine 118 with phenylalanine.
Molecular consequence: missense variant.
Genome position (GRCh38, 1-based): chr16:67,659,598, G>A on the plus strand (C>T on the coding strand, the complement: ACD is on the minus strand). VCF-style: chr16-67659598-G-A. GRCh37 (hg19) VCF-style: chr16-67693501-G-A.
Other names: c.352C>T, p.Leu118Phe (NM_001410884.1); c.343C>T, p.Leu115Phe (NM_022914.3); short protein forms L115F, L118F.
Identifiers: ClinVar variation 1751668 (VCV001751668.2), dbSNP rs769774717, ClinGen allele CA8114730.